The following is an entry in ClinVar:

NM_004100.5(EYA4):c.*6T>G

Genes: EYA4 (EYA transcriptional coactivator and phosphatase 4; plus strand), TARID (TCF21 antisense RNA inducing promoter demethylation; minus strand). Cytogenetic location: 6q23.2.
Variant type: single nucleotide variant.
Coding change: c.*6T>G on transcript NM_004100.5 (MANE Select); 6 bases downstream of the stop codon, T replaced by G.
Molecular consequence: 3 prime UTR variant.
Genome position (GRCh38, 1-based): chr6:133,528,811, T>G. VCF-style: chr6-133528811-T-G. GRCh37 (hg19) VCF-style: chr6-133849949-T-G.
Other names: c.*6T>G (NM_001301012.2, NM_001301013.2, NM_001370458.1 and 3 more transcripts).
Identifiers: ClinVar variation 496552 (VCV000496552.1), dbSNP rs1554276908, ClinGen allele CA658683452.

ClinVar aggregate classification (germline): Uncertain significance (1 of 4 stars; one submission).

Allele frequency attached by ClinVar (database versions not stated): TOPMed below 0.00001.

Submission:

Women's Health and Genetics/Laboratory Corporation of America, LabCorp
Classification: Uncertain significance. Last evaluated: 2016-05-27. Review status: criteria provided, single submitter. Criteria: LabCorp Variant Classification Summary - May 2015. Collection method: clinical testing. Allele origin: germline.
Comment: Variant summary: The EYA4 c.*6T>G variant involves the alteration of a conserved nucleotide in the 3'UTR. One in silico tool predicts a damaging outcome for this variant. This variant is absent in 121366 control chromosomes. The variant of interest has not, to our knowledge, been reported in affected individuals via publications and/or reputable databases/clinical diagnostic laboratories; nor evaluated for functional impact by in vivo/vitro studies. Because of the absence of clinical information and the lack of functional studies, the variant is classified as a variant of uncertain significance (VUS) until additional information becomes available.